The following is an entry in ClinVar:

ClinVar aggregate classification (germline): Pathogenic (1 of 4 stars; one submission).

Submission:

Labcorp Genetics (formerly Invitae), Labcorp
Classification: Pathogenic. Last evaluated: 2024-01-24. Review status: criteria provided, single submitter. Criteria: Invitae Variant Classification Sherloc (09022015). Collection method: clinical testing. Allele origin: germline.
Comment: This sequence change creates a premature translational stop signal (p.Gln1185*) in the TG gene. It is expected to result in an absent or disrupted protein product. Loss-of-function variants in TG are known to be pathogenic (PMID: 19837936, 23164529). This variant is not present in population databases (gnomAD no frequency). This variant has not been reported in the literature in individuals affected with TG-related conditions. Algorithms developed to predict the effect of sequence changes on RNA splicing suggest that this variant may disrupt the consensus splice site. For these reasons, this variant has been classified as Pathogenic.

Literature cited by the submitters: PubMed 19837936; PubMed 23164529.

NM_003235.5(TG):c.3553C>T (p.Gln1185Ter)

Gene: TG (thyroglobulin; plus strand). Cytogenetic location: 8q24.22.
Variant type: single nucleotide variant.
Coding change: c.3553C>T on transcript NM_003235.5 (MANE Select); coding-DNA position 3553, C replaced by T.
Protein change: p.Gln1185Ter; replaces glutamine 1185 with a stop codon.
Molecular consequence: nonsense.
Genome position (GRCh38, 1-based): chr8:132,901,472, C>T. VCF-style: chr8-132901472-C-T. GRCh37 (hg19) VCF-style: chr8-133913717-C-T.
Other names: short protein forms Q1185*.
Identifiers: ClinVar variation 2828554 (VCV002828554.3), dbSNP rs2490065792, ClinGen allele CA372242309.